The following is an entry in ClinVar:

ClinVar aggregate classification (germline): Conflicting classifications of pathogenicity. Review status: criteria provided, conflicting classifications (1 of 4 stars). 3 submissions from 3 submitters: Uncertain significance (2); Benign (1). Last evaluated 2025-11-05.

Conditions:
Tuberous sclerosis syndrome (TSC). Also called: Tuberous Sclerosis Complex; Tuberous sclerosis. Identifiers: Orphanet 805, MedGen C0041341, MONDO:0001734.
Hereditary cancer-predisposing syndrome. Also called: Hereditary neoplastic syndrome; Tumor predisposition; Neoplastic Syndromes, Hereditary; Hereditary Cancer Syndrome. Identifiers: Orphanet 140162, MedGen C0027672, MeSH D009386, MONDO:0015356.
Tuberous sclerosis 2 (TSC2). Identifiers: Orphanet 805, MedGen C1860707, MONDO:0013199, OMIM 613254.

Allele frequency attached by ClinVar (database versions not stated): ExAC 0.00002.
gnomAD v4.1: 2 of 1,612,680 alleles (0.00012%); highest among the groups gnomAD compares: Middle Eastern, 0.016%; no homozygotes.

Submissions (3):

Labcorp Genetics (formerly Invitae), Labcorp
Classification: Benign for Tuberous sclerosis 2. Last evaluated: 2025-11-05. Review status: criteria provided, single submitter. Criteria: Invitae Variant Classification Sherloc (09022015). Collection method: clinical testing. Allele origin: germline.

Ambry Genetics
Classification: Uncertain significance for Hereditary cancer-predisposing syndrome. Last evaluated: 2024-12-03. Review status: criteria provided, single submitter. Criteria: Ambry Variant Classification Scheme 2023. Collection method: clinical testing. Allele origin: germline.
Comment: The p.L1694F variant (also known as c.5080C>T), located in coding exon 39 of the TSC2 gene, results from a C to T substitution at nucleotide position 5080. The leucine at codon 1694 is replaced by phenylalanine, an amino acid with highly similar properties. This amino acid position is conserved. In addition, the in silico prediction for this alteration is inconclusive. Based on the available evidence, the clinical significance of this variant remains unclear.

All of Us Research Program, National Institutes of Health
Classification: Uncertain significance for Tuberous sclerosis syndrome. Last evaluated: 2023-11-30. Review status: criteria provided, single submitter. Criteria: ACMG Guidelines, 2015. Collection method: clinical testing. Allele origin: germline. Inheritance: Autosomal dominant inheritance. Observed: 2 variant alleles, 2 heterozygotes.
Comment: This study involves interpretation of variants in research participants for the purpose of population health screening. Participant phenotype was not available at the time of variant classification. Additional details can be found in publication PMID: 35346344, PMCID: PMC8962531

NM_000548.5(TSC2):c.5080C>T (p.Leu1694Phe)

Gene: TSC2 (TSC complex subunit 2; plus strand). Cytogenetic location: 16p13.3.
Variant type: single nucleotide variant.
Coding change: c.5080C>T on transcript NM_000548.5 (MANE Select); coding-DNA position 5080, C replaced by T.
Protein change: p.Leu1694Phe; replaces leucine 1694 with phenylalanine.
Molecular consequence: missense variant.
Genome position (GRCh38, 1-based): chr16:2,088,059, C>T. VCF-style: chr16-2088059-C-T. GRCh37 (hg19) VCF-style: chr16-2138060-C-T.
Other names: c.4879C>T, p.Leu1627Phe (NM_001077183.3); c.5011C>T, p.Leu1671Phe (NM_001114382.3); c.4771C>T, p.Leu1591Phe (NM_001318827.2); c.4735C>T, p.Leu1579Phe (NM_001318829.2); c.4348C>T, p.Leu1450Phe (NM_001318831.2); c.4912C>T, p.Leu1638Phe (NM_001318832.2); c.4882C>T, p.Leu1628Phe (NM_001363528.2); c.4948C>T, p.Leu1650Phe (NM_001370404.1); and 1 more; short protein forms L1579F, L1671F, L1694F, L1638F, L1650F, L1450F, L1591F, L1627F.
Identifiers: ClinVar variation 951585 (VCV000951585.11), dbSNP rs760781650, ClinGen allele CA053886.
Genomic context (GRCh38, chr16:2,088,059, plus strand): 5'-GTGTGGCGCCAAGAGCCCTGGGCCTGGCGTGACCACCAAGTCTCCCCAGACATGGAGGGC[C>T]TTGTGGACACCAGCGTGGCCAAGATCGTGTCTGACCGCAACCTGCCCTTCGTGGCCCGCC-3'
Protein context (NP_000539.2, residues 1684-1704): SLQCRKDMEG[Leu1694Phe]VDTSVAKIVS